The following is an entry in ClinVar:

ClinVar aggregate classification (germline): Pathogenic (1 of 4 stars; one submission).

Conditions:
Neurofibromatosis, type 1 (NF1). Also called: VON RECKLINGHAUSEN DISEASE; NEUROFIBROMATOSIS, TYPE I, SOMATIC; Peripheral type neurofibromatosis; Neurofibromatosis, type I. Identifiers: Orphanet 636, MedGen C0027831, MONDO:0018975, OMIM 162200. Disease mechanism: loss of function.

Allele frequency attached by ClinVar (database versions not stated): TOPMed below 0.00001; ExAC 0.00001.

Submission:

Labcorp Genetics (formerly Invitae), Labcorp
Classification: Pathogenic for Neurofibromatosis, type 1. Last evaluated: 2025-10-02. Review status: criteria provided, single submitter. Criteria: Invitae Variant Classification Sherloc (09022015). Collection method: clinical testing. Allele origin: germline.
Comment: This sequence change affects an acceptor splice site in intron 41 of the NF1 gene. It is expected to disrupt RNA splicing. Variants that disrupt the donor or acceptor splice site typically lead to a loss of protein function (PMID: 16199547), and loss-of-function variants in NF1 are known to be pathogenic (PMID: 10712197, 23913538). This variant is present in population databases (rs747100254, gnomAD 0.007%). Disruption of this splice site has been observed in individual(s) with clinical features of neurofibromatosis type 1 (PMID: 16835897, 26178382, 26969325, 28961165). In at least one individual the variant was observed to be de novo. ClinVar contains an entry for this variant (Variation ID: 950753). Algorithms developed to predict the effect of sequence changes on RNA splicing suggest that this variant may disrupt the consensus splice site. For these reasons, this variant has been classified as Pathogenic.

Literature cited by the submitters: PubMed 16199547; PubMed 10712197; PubMed 23913538; PubMed 16835897; PubMed 26178382; PubMed 26969325; PubMed 28961165.

NM_001042492.3(NF1):c.6428-1G>A

Gene: NF1 (neurofibromin 1; plus strand). Cytogenetic location: 17q11.2.
Variant type: single nucleotide variant.
Coding change: c.6428-1G>A on transcript NM_001042492.3 (MANE Select); the canonical splice acceptor site of the intron before coding-DNA position 6428, G replaced by A.
Molecular consequence: splice acceptor variant.
Genome position (GRCh38, 1-based): chr17:31,337,367, G>A. VCF-style: chr17-31337367-G-A. GRCh37 (hg19) VCF-style: chr17-29664385-G-A.
Other names: c.6365-1G>A (NM_000267.4).
Identifiers: ClinVar variation 950753 (VCV000950753.3), dbSNP rs747100254, ClinGen allele CA8487356.